The following is an entry in ClinVar:

ClinVar aggregate classification (germline): Uncertain significance. Review status: criteria provided, multiple submitters, no conflicts (2 of 4 stars). 2 submissions from 2 submitters: Uncertain significance (2). Last evaluated 2026-02-02.

Conditions:
Gorlin syndrome. Also called: Nevoid Basal Cell Carcinoma Syndrome; Basal cell nevus syndrome. Identifiers: Orphanet 377, MedGen C0004779, MONDO:0007187.

Allele frequency attached by ClinVar (database versions not stated): gnomAD 0.00007 and 0.00009; ESP Exome Variant Server 0.00008; TOPMed 0.00009; ExAC 0.00015; 1000 Genomes Project 30x 0.00016; gnomAD exomes 0.00017; 1000 Genomes Project 0.00020.

Submissions (2):

Labcorp Genetics (formerly Invitae), Labcorp
Classification: Uncertain significance for Gorlin syndrome. Last evaluated: 2026-02-02. Review status: criteria provided, single submitter. Criteria: Invitae Variant Classification Sherloc (09022015). Collection method: clinical testing. Allele origin: germline.
Comment: This sequence change replaces threonine, which is neutral and polar, with methionine, which is neutral and non-polar, at codon 893 of the PTCH2 protein (p.Thr893Met). This variant is present in population databases (rs199596045, gnomAD 0.04%), and has an allele count higher than expected for a pathogenic variant. This variant has not been reported in the literature in individuals affected with PTCH2-related conditions. ClinVar contains an entry for this variant (Variation ID: 656568). An algorithm developed to predict the effect of missense changes on protein structure and function (PolyPhen-2) suggests that this variant is likely to be tolerated. In summary, the available evidence is currently insufficient to determine the role of this variant in disease. Therefore, it has been classified as a Variant of Uncertain Significance.

Ambry Genetics
Classification: Uncertain significance. Last evaluated: 2024-06-03. Review status: criteria provided, single submitter. Criteria: Ambry Variant Classification Scheme 2023. Collection method: clinical testing. Allele origin: germline.

NM_003738.5(PTCH2):c.2678C>T (p.Thr893Met)

Gene: PTCH2 (patched 2; minus strand). Cytogenetic location: 1p34.1.
Variant type: single nucleotide variant.
Coding change: c.2678C>T on transcript NM_003738.5 (MANE Select); coding-DNA position 2678, C replaced by T.
Protein change: p.Thr893Met; replaces threonine 893 with methionine.
Molecular consequence: missense variant.
Genome position (GRCh38, 1-based): chr1:44,826,919, G>A on the plus strand (C>T on the coding strand, the complement: PTCH2 is on the minus strand). VCF-style: chr1-44826919-G-A. GRCh37 (hg19) VCF-style: chr1-45292591-G-A.
Other names: c.2678C>T, p.Thr893Met (NM_001166292.2); short protein forms T893M.
Identifiers: ClinVar variation 656568 (VCV000656568.11), dbSNP rs199596045, ClinGen allele CA822936.
Genomic context (GRCh38, chr1:44,826,919, plus strand): 5'-TGGGCGAGGCTGAGGCTCTTGCCGAGCTCCCCCCAAGACTCACTGCGAAGGTTCTCCCCC[G>A]TGGTGTCGTATTTGTCGTGCAGCCATTCAGGAGGTGGGGGGTAGAAGTTGGCCTGTGAGG-3'
Protein context (NP_003729.3, residues 883-903): PEWLHDKYDT[Thr893Met]GENLRIPPAQ